The following is an entry in ClinVar:

ClinVar aggregate classification (germline): Uncertain significance (1 of 4 stars; one submission).

Conditions:
FGFR2-related craniosynostosis. Identifiers: MedGen CN231480.

Allele frequency attached by ClinVar (database versions not stated): gnomAD exomes 0.00001; TOPMed 0.00001.
gnomAD v4.1: 2 of 1,614,122 alleles (0.00012%); highest among the groups gnomAD compares: Admixed American, 0.0017%; no homozygotes.

Submission:

Labcorp Genetics (formerly Invitae), Labcorp
Classification: Uncertain significance for FGFR2-related craniosynostosis. Last evaluated: 2022-11-08. Review status: criteria provided, single submitter. Criteria: Invitae Variant Classification Sherloc (09022015). Collection method: clinical testing. Allele origin: germline.
Comment: In summary, the available evidence is currently insufficient to determine the role of this variant in disease. Therefore, it has been classified as a Variant of Uncertain Significance. Advanced modeling of protein sequence and biophysical properties (such as structural, functional, and spatial information, amino acid conservation, physicochemical variation, residue mobility, and thermodynamic stability) has been performed at Invitae for this missense variant, however the output from this modeling did not meet the statistical confidence thresholds required to predict the impact of this variant on FGFR2 protein function. ClinVar contains an entry for this variant (Variation ID: 1443032). This variant has not been reported in the literature in individuals affected with FGFR2-related conditions. This variant is present in population databases (no rsID available, gnomAD 0.003%). This sequence change replaces threonine, which is neutral and polar, with asparagine, which is neutral and polar, at codon 457 of the FGFR2 protein (p.Thr457Asn).

NM_000141.5(FGFR2):c.1370C>A (p.Thr457Asn)

Gene: FGFR2 (fibroblast growth factor receptor 2; minus strand). Cytogenetic location: 10q26.13.
Variant type: single nucleotide variant.
Coding change: c.1370C>A on transcript NM_000141.5 (MANE Select); coding-DNA position 1370, C replaced by A.
Protein change: p.Thr457Asn; replaces threonine 457 with asparagine.
Molecular consequence: missense variant. On other transcripts: non-coding transcript variant (1).
Genome position (GRCh38, 1-based): chr10:121,503,859, G>T on the plus strand (C>A on the coding strand, the complement: FGFR2 is on the minus strand). VCF-style: chr10-121503859-G-T. GRCh37 (hg19) VCF-style: chr10-123263373-G-T.
Other names: c.1373C>A, p.Thr458Asn (NM_001144913.1, NM_022970.4); c.1034C>A, p.Thr345Asn (NM_001144914.1); c.1103C>A, p.Thr368Asn (NM_001144915.2, NM_023029.3); c.1025C>A, p.Thr342Asn (NM_001144916.2); c.1022C>A, p.Thr341Asn (NM_001144917.2); c.1019C>A, p.Thr340Asn (NM_001144918.2); c.1106C>A, p.Thr369Asn (NM_001144919.2); c.686C>A, p.Thr229Asn (NM_001320654.2); and 1 more; short protein forms T341N, T342N, T229N, T345N, T455N, T458N, T340N, T457N.
Identifiers: ClinVar variation 1443032 (VCV001443032.8), dbSNP rs1245946700, ClinGen allele CA378325125.